The following is an entry in ClinVar:

NM_201384.3(PLEC):c.5599C>T (p.Arg1867Trp)

Gene: PLEC (plectin; minus strand). Cytogenetic location: 8q24.3.
Variant type: single nucleotide variant.
Coding change: c.5599C>T on transcript NM_201384.3 (MANE Select); coding-DNA position 5599, C replaced by T.
Protein change: p.Arg1867Trp; replaces arginine 1867 with tryptophan.
Molecular consequence: missense variant.
Genome position (GRCh38, 1-based): chr8:143,924,330, G>A on the plus strand (C>T on the coding strand, the complement: PLEC is on the minus strand). VCF-style: chr8-143924330-G-A. GRCh37 (hg19) VCF-style: chr8-144998498-G-A.
Other names: c.5680C>T, p.Arg1894Trp (NM_000445.5); c.5557C>T, p.Arg1853Trp (NM_201378.4); c.5533C>T, p.Arg1845Trp (NM_201379.3); c.6010C>T, p.Arg2004Trp (NM_201380.4); c.5503C>T, p.Arg1835Trp (NM_201381.3); c.5599C>T, p.Arg1867Trp (NM_201382.4); c.5611C>T, p.Arg1871Trp (NM_201383.3); c.5680C>T (NM_000445.3); short protein forms R1835W, R1845W, R1871W, R1894W, R1853W, R1867W, R2004W.
Identifiers: ClinVar variation 857213 (VCV000857213.8), dbSNP rs201097276, ClinGen allele CA4926308.

ClinVar aggregate classification (germline): Uncertain significance. Review status: criteria provided, multiple submitters, no conflicts (2 of 4 stars). 2 submissions from 2 submitters: Uncertain significance (2). Last evaluated 2025-10-21.

Conditions:
Epidermolysis bullosa simplex 5B, with muscular dystrophy (EBS5B). Also called: Epidermolysis bullosa simplex with muscular dystrophy; EPIDERMOLYSIS BULLOSA SIMPLEX AND LIMB-GIRDLE MUSCULAR DYSTROPHY. Identifiers: Orphanet 257, MedGen C2931072, MONDO:0009181, OMIM 226670.
Epidermolysis bullosa simplex 5C, with pyloric atresia (EBS5C). Also called: PLEC1-Related Epidermolysis Bullosa with Pyloric Atresia; Epidermolysis bullosa simplex with pyloric atresia; PLEC-Related Epidermolysis Bullosa with Pyloric Atresia. Identifiers: Orphanet 158684, MedGen C2677349, MONDO:0012807, OMIM 612138.
Epidermolysis bullosa simplex, Ogna type (EBS5A). Also called: Pidermolysis bullosa simplex 5A, Ogna type; EPIDERMOLYSIS BULLOSA SIMPLEX 5A, OGNA TYPE. Identifiers: Orphanet 79401, MedGen C0432317, MONDO:0007555, OMIM 131950.
Autosomal recessive limb-girdle muscular dystrophy type 2Q (LGMDR17). Also called: MUSCULAR DYSTROPHY, LIMB-GIRDLE, AUTOSOMAL RECESSIVE 17. Identifiers: Orphanet 254361, MedGen C3150989, MONDO:0013390, OMIM 613723.
Epidermolysis bullosa simplex with nail dystrophy (EBS5D). Identifiers: MedGen C4225309, MONDO:0014661, OMIM 616487.
Inborn genetic diseases. Identifiers: MedGen C0950123, MeSH D030342.

Allele frequency attached by ClinVar (database versions not stated): gnomAD 0.00002 and 0.00004; TOPMed 0.00006; gnomAD exomes 0.00007 and 0.00012; ExAC 0.00016; 1000 Genomes Project 0.00020; 1000 Genomes Project 30x 0.00031.

Submissions (2):

Labcorp Genetics (formerly Invitae), Labcorp
Classification: Uncertain significance for Autosomal recessive limb-girdle muscular dystrophy type 2Q; Epidermolysis bullosa simplex, Ogna type; Epidermolysis bullosa simplex with nail dystrophy; Epidermolysis bullosa simplex 5C, with pyloric atresia; Epidermolysis bullosa simplex 5B, with muscular dystrophy. Last evaluated: 2025-10-21. Review status: criteria provided, single submitter. Criteria: Invitae Variant Classification Sherloc (09022015). Collection method: clinical testing. Allele origin: germline.
Comment: This sequence change replaces arginine, which is basic and polar, with tryptophan, which is neutral and slightly polar, at codon 1894 of the PLEC protein (p.Arg1894Trp). This variant is present in population databases (rs201097276, gnomAD 0.05%). This variant has not been reported in the literature in individuals affected with PLEC-related conditions. ClinVar contains an entry for this variant (Variation ID: 857213). Experimental studies and prediction algorithms are not available or were not evaluated, and the functional significance of this variant is currently unknown. In summary, the available evidence is currently insufficient to determine the role of this variant in disease. Therefore, it has been classified as a Variant of Uncertain Significance.

Ambry Genetics
Classification: Uncertain significance for Inborn genetic diseases. Last evaluated: 2022-03-16. Review status: criteria provided, single submitter. Criteria: Ambry Variant Classification Scheme 2023. Collection method: clinical testing. Allele origin: germline.